The following is an entry in ClinVar:

ClinVar aggregate classification (germline): Uncertain significance. Review status: criteria provided, multiple submitters, no conflicts (2 of 4 stars). 3 submissions from 3 submitters: Uncertain significance (3). Last evaluated 2025-12-09.

Conditions:
Long QT syndrome (LQTS). Identifiers: MedGen C0023976, MeSH D008133, MONDO:0002442. Disease mechanism: loss of function. Inheritance: Various modes of inheritance.
Cardiovascular phenotype. Identifiers: MedGen CN230736.

Allele frequency attached by ClinVar (database versions not stated): gnomAD 0.00001; gnomAD exomes 0.00001; TOPMed 0.00001.
gnomAD v4.1: 18 of 1,611,288 alleles (0.0011%); highest among the groups gnomAD compares: South Asian, 0.0022%; no homozygotes.

Submissions (3):

Labcorp Genetics (formerly Invitae), Labcorp
Classification: Uncertain significance for Long QT syndrome. Last evaluated: 2025-12-09. Review status: criteria provided, single submitter. Criteria: Invitae Variant Classification Sherloc (09022015). Collection method: clinical testing. Allele origin: germline.
Comment: This sequence change replaces proline, which is neutral and non-polar, with leucine, which is neutral and non-polar, at codon 794 of the CACNA1C protein (p.Pro794Leu). This variant is present in population databases (rs771393283, gnomAD 0.003%). This variant has not been reported in the literature in individuals affected with CACNA1C-related conditions. ClinVar contains an entry for this variant (Variation ID: 960479). Invitae Evidence Modeling of protein sequence and biophysical properties (such as structural, functional, and spatial information, amino acid conservation, physicochemical variation, residue mobility, and thermodynamic stability) indicates that this missense variant is not expected to disrupt CACNA1C protein function with a negative predictive value of 95%. In summary, the available evidence is currently insufficient to determine the role of this variant in disease. Therefore, it has been classified as a Variant of Uncertain Significance.

Clinical Genetics Laboratory, Skane University Hospital Lund
Classification: Uncertain significance. Last evaluated: 2023-06-26. Review status: criteria provided, single submitter. Criteria: ACMG Guidelines, 2015. Collection method: clinical testing. Allele origin: germline. Affected: yes.

Ambry Genetics
Classification: Uncertain significance for Cardiovascular phenotype. Last evaluated: 2023-03-01. Review status: criteria provided, single submitter. Criteria: Ambry Variant Classification Scheme 2023. Collection method: clinical testing. Allele origin: germline.
Comment: The p.P794L variant (also known as c.2381C>T), located in coding exon 17 of the CACNA1C gene, results from a C to T substitution at nucleotide position 2381. The proline at codon 794 is replaced by leucine, an amino acid with similar properties. This amino acid position is well conserved in available vertebrate species. In addition, the in silico prediction for this alteration is inconclusive. Since supporting evidence is limited at this time, the clinical significance of this alteration remains unclear.

NM_000719.7(CACNA1C):c.2381C>T (p.Pro794Leu)

Gene: CACNA1C (calcium voltage-gated channel subunit alpha1 C; plus strand). Cytogenetic location: 12p13.33.
Variant type: single nucleotide variant.
Coding change: c.2381C>T on transcript NM_000719.7 (MANE Select); coding-DNA position 2381, C replaced by T.
Protein change: p.Pro794Leu; replaces proline 794 with leucine.
Molecular consequence: missense variant.
Genome position (GRCh38, 1-based): chr12:2,585,417, C>T. VCF-style: chr12-2585417-C-T. GRCh37 (hg19) VCF-style: chr12-2694583-C-T.
Other names: c.2381C>T, p.Pro794Leu (NM_001129827.2, NM_001129829.2, NM_001129830.3 and 18 more transcripts); c.2372C>T, p.Pro791Leu (NM_001129844.2); short protein forms P794L, P791L.
Identifiers: ClinVar variation 960479 (VCV000960479.13), dbSNP rs771393283, ClinGen allele CA231587976.